The following is an entry in ClinVar:

ClinVar aggregate classification (germline): Benign. Review status: criteria provided, multiple submitters, no conflicts (2 of 4 stars). 2 submissions from 2 submitters: Benign (2). Last evaluated 2018-01-13.

Conditions:
Gamma-aminobutyric acid transaminase deficiency (GABATD). Also called: GABA aminotransaminase deficiency; GABA transaminase deficiency; Gamma aminobutyrate transaminase deficiency; 4 alpha aminobutyrate transaminase deficiency. Identifiers: Orphanet 2066, MedGen C0342708, MONDO:0013166, OMIM 613163.

Allele frequency attached by ClinVar (database versions not stated): 1000 Genomes Project 30x 0.37133; 1000 Genomes Project 0.37380; TOPMed 0.39479.
gnomAD v4.1: 250,292 of 583,238 alleles (43%); highest among the groups gnomAD compares: Non-Finnish European, 46%; 55,710 homozygotes.

Submissions (2):

Illumina Laboratory Services, Illumina
Classification: Benign for Gamma-aminobutyric acid transaminase deficiency. Last evaluated: 2018-01-13. Review status: criteria provided, single submitter. Criteria: ICSL Variant Classification Criteria 13 December 2019. Collection method: clinical testing. Allele origin: germline.
Comment: This variant was observed in the ICSL laboratory as part of a predisposition screen in an ostensibly healthy population. It had not been previously curated by ICSL or reported in the Human Gene Mutation Database (HGMD: prior to June 1st, 2018), and was therefore a candidate for classification through an automated scoring system. Utilizing variant allele frequency, disease prevalence and penetrance estimates, and inheritance mode, an automated score was calculated to assess if this variant is too frequent to cause the disease. Based on the score and internal cut-off values, a variant classified as benign is not then subjected to further curation. The score for this variant resulted in a classification of benign for this disease.

Breakthrough Genomics
Classification: Benign. Review status: criteria provided, single submitter. Criteria: ACMG Guidelines, 2015. Collection method: not provided. Allele origin: germline. Inheritance: Autosomal recessive inheritance. Affected: yes.

NM_020686.6(ABAT):c.*242G>T

Gene: ABAT (4-aminobutyrate aminotransferase; plus strand). Cytogenetic location: 16p13.2.
Variant type: single nucleotide variant.
Coding change: c.*242G>T on transcript NM_020686.6 (MANE Select); 242 bases downstream of the stop codon, G replaced by T.
Molecular consequence: 3 prime UTR variant.
Genome position (GRCh38, 1-based): chr16:8,781,672, G>T. VCF-style: chr16-8781672-G-T. GRCh37 (hg19) VCF-style: chr16-8875529-G-T.
Other names: c.*242G>T (NM_000663.5, NM_001127448.2, NM_001386600.1 and 14 more transcripts); c.*256G>T (NM_001386609.1, NM_001386616.1).
Identifiers: ClinVar variation 321094 (VCV000321094.6), dbSNP rs2270288, ClinGen allele CA10648217.